The following is an entry in ClinVar:

NM_001458.5(FLNC):c.6698C>A (p.Ser2233Tyr)

Genes: FLNC (filamin C; plus strand), FLNC-AS1 (FLNC antisense RNA 1; minus strand). Cytogenetic location: 7q32.1.
Variant type: single nucleotide variant.
Coding change: c.6698C>A on transcript NM_001458.5 (MANE Select); coding-DNA position 6698, C replaced by A.
Protein change: p.Ser2233Tyr; replaces serine 2233 with tyrosine.
Molecular consequence: missense variant.
Genome position (GRCh38, 1-based): chr7:128,854,187, C>A. VCF-style: chr7-128854187-C-A. GRCh37 (hg19) VCF-style: chr7-128494241-C-A.
Other names: c.6599C>A, p.Ser2200Tyr (NM_001127487.2); short protein forms S2200Y, S2233Y.
Identifiers: ClinVar variation 4824279 (VCV004824279.1).
Genomic context (GRCh38, chr7:128,854,187, plus strand): 5'-TCGGCGGGGACCCCTTCCCTGCTGTGTTTGGGGACTTCCTGGGCCGGGAGCGCCTGGGAT[C>A]CTTCGGCAGCATCACCCGGCAGCAGGAGGGTGAGCACCGCACACTGGGCCGGCCGGGTCC-3'
Protein context (NP_001449.3, residues 2223-2243): GDFLGRERLG[Ser2233Tyr]FGSITRQQEG

ClinVar aggregate classification (germline): Uncertain significance (1 of 4 stars; one submission).

Conditions:
Cardiovascular phenotype. Identifiers: MedGen CN230736.

gnomAD v4.1: 6 of 1,608,282 alleles (0.00037%); highest among the groups gnomAD compares: South Asian, 0.0011%; no homozygotes.

Submission:

Ambry Genetics
Classification: Uncertain significance for Cardiovascular phenotype. Last evaluated: 2026-01-25. Review status: criteria provided, single submitter. Criteria: Ambry Variant Classification Scheme 2023. Collection method: clinical testing. Allele origin: germline.
Comment: The p.S2233Y variant (also known as c.6698C>A), located in coding exon 40 of the FLNC gene, results from a C to A substitution at nucleotide position 6698. The serine at codon 2233 is replaced by tyrosine, an amino acid with dissimilar properties. This amino acid position is conserved. In addition, the in silico prediction for this alteration is inconclusive. Based on the available evidence, the clinical significance of this variant remains unclear.